The following is an entry in ClinVar:

NM_001370259.2(MEN1):c.1041C>T (p.Val347=)

Gene: MEN1 (menin 1; minus strand). Cytogenetic location: 11q13.1.
Variant type: single nucleotide variant.
Coding change: c.1041C>T on transcript NM_001370259.2 (MANE Select); coding-DNA position 1041, C replaced by T.
Protein change: p.Val347=; no amino-acid change (valine 347 retained).
Molecular consequence: synonymous variant. On other transcripts: non-coding transcript variant (4).
Genome position (GRCh38, 1-based): chr11:64,806,240, G>A on the plus strand (C>T on the coding strand, the complement: MEN1 is on the minus strand). VCF-style: chr11-64806240-G-A. GRCh37 (hg19) VCF-style: chr11-64573712-G-A.
Other names: c.1056C>T, p.Val352= (NM_000244.4, NM_001407145.1, NM_001407150.1 and 5 more transcripts); c.1041C>T, p.Val347= (NM_001370251.2, NM_001370260.2, NM_001370261.2 and 7 more transcripts); c.936C>T, p.Val312= (NM_001370262.2, NM_001370263.2, NM_001407148.1 and 2 more transcripts).
Identifiers: ClinVar variation 3773427 (VCV003773427.1).

ClinVar aggregate classification (germline): Benign (1 of 4 stars; one submission).

Conditions:
Multiple endocrine neoplasia, type 1 (MEN1). Also called: MEN I; WERMER SYNDROME; Endocrine adenomatosis multiple; MEN 1; MEA I. Identifiers: Orphanet 652, MedGen C0025267, MeSH D018761, MONDO:0007540, OMIM 131100.

gnomAD v4.1: 1 of 1,614,184 alleles (0.000062%); no homozygotes.

Submission:

Myriad Genetics, Inc.
Classification: Benign for Multiple endocrine neoplasia, type 1. Last evaluated: 2024-11-04. Review status: criteria provided, single submitter. Criteria: Myriad Autosomal Dominant, Autosomal Recessive and X-Linked Classification Criteria (2023). Collection method: clinical testing. Allele origin: unknown.
Comment: This variant is considered benign. This variant is a silent/synonymous amino acid change and it is not expected to impact splicing.